The following is an entry in ClinVar:

NM_170707.4(LMNA):c.1488+15G>A

Gene: LMNA (lamin A/C; plus strand). Cytogenetic location: 1q22.
Variant type: single nucleotide variant.
Coding change: c.1488+15G>A on transcript NM_170707.4 (MANE Select); 15 bases into the intron after coding-DNA position 1488, G replaced by A.
Molecular consequence: intron variant.
Genome position (GRCh38, 1-based): chr1:156,137,043, G>A. VCF-style: chr1-156137043-G-A. GRCh37 (hg19) VCF-style: chr1-156106834-G-A.
Other names: c.1488+15G>A (NM_001282625.2, NM_001282626.2, NM_170708.4 and 1 more transcripts); c.1152+15G>A (NM_001257374.3); c.1245+15G>A (NM_001282624.2).
Identifiers: ClinVar variation 386337 (VCV000386337.5), dbSNP rs371380638, ClinGen allele CA050349.
Genomic context (GRCh38, chr1:156,137,043, plus strand): 5'-CCGGTTCCCACCAAAGTTCACCCTGAAGGCTGGGCAGGTGGTGACGGTGAGTGGCAGGGC[G>A]CTTGGGACTCTGGGGAGGCCTTGGGTGGCGATGGGAGCGCTGGGGTAAGTGTCCTTTTCT-3'

ClinVar aggregate classification (germline): Likely benign. Review status: criteria provided, multiple submitters, no conflicts (2 of 4 stars). 2 submissions from 2 submitters: Likely benign (2). Last evaluated 2025-04-11.

Conditions:
Charcot-Marie-Tooth disease type 2. Also called: Charcot-Marie-Tooth type 2. Identifiers: Orphanet 64746, MedGen C0270914, MONDO:0018993.

Allele frequency attached by ClinVar (database versions not stated): gnomAD 0.00001; ESP Exome Variant Server 0.00008; TOPMed 0.00002; ExAC 0.00003; gnomAD exomes 0.00001 and 0.00002.
gnomAD v4.1: 19 of 1,614,020 alleles (0.0012%); highest among the groups gnomAD compares: Admixed American, 0.005%; no homozygotes.

Submissions (2):

Labcorp Genetics (formerly Invitae), Labcorp
Classification: Likely benign for Charcot-Marie-Tooth disease type 2. Last evaluated: 2025-04-11. Review status: criteria provided, single submitter. Criteria: Invitae Variant Classification Sherloc (09022015). Collection method: clinical testing. Allele origin: germline.

GeneDx
Classification: Likely benign. Last evaluated: 2016-05-16. Review status: criteria provided, single submitter. Criteria: GeneDx Variant Classification (06012015). Collection method: clinical testing. Allele origin: germline. Affected: yes.
Comment: This variant is considered likely benign or benign based on one or more of the following criteria: it is a conservative change, it occurs at a poorly conserved position in the protein, it is predicted to be benign by multiple in silico algorithms, and/or has population frequency not consistent with disease.